The following is an entry in ClinVar:

NM_003331.5(TYK2):c.1898G>T (p.Arg633Leu)

Gene: TYK2 (tyrosine kinase 2; minus strand). Cytogenetic location: 19p13.2.
Variant type: single nucleotide variant.
Coding change: c.1898G>T on transcript NM_003331.5 (MANE Select); coding-DNA position 1898, G replaced by T.
Protein change: p.Arg633Leu; replaces arginine 633 with leucine.
Molecular consequence: missense variant. On other transcripts: intron variant (1).
Genome position (GRCh38, 1-based): chr19:10,361,831, C>A on the plus strand (G>T on the coding strand, the complement: TYK2 is on the minus strand). VCF-style: chr19-10361831-C-A. GRCh37 (hg19) VCF-style: chr19-10472507-C-A.
Other names: c.1898G>T, p.Arg633Leu (NM_001385197.1, NM_001385198.1, NM_001385200.1 and 3 more transcripts); c.1700G>T, p.Arg567Leu (NM_001385201.1); c.1814G>T, p.Arg605Leu (NM_001385202.1); c.1808G>T, p.Arg603Leu (NM_001385205.1); c.1772G>T, p.Arg591Leu (NM_001385206.1); c.1880G>T, p.Arg627Leu (NM_001385207.1); c.1774-233G>T (NM_001385199.1); short protein forms R567L, R605L, R627L, R591L, R603L, R633L.
Identifiers: ClinVar variation 3674519 (VCV003674519.3).

ClinVar aggregate classification (germline): Uncertain significance. Review status: criteria provided, multiple submitters, no conflicts (2 of 4 stars). 2 submissions from 2 submitters: Uncertain significance (2). Last evaluated 2024-02-22.

Conditions:
Immunodeficiency 35 (IMD35). Also called: Susceptibility to infection due to TYK2 deficiency; HIES WITH ATYPICAL MYCOBACTERIOSIS, AUTOSOMAL RECESSIVE; HYPER-IgE SYNDROME WITH ATYPICAL MYCOBACTERIOSIS, AUTOSOMAL RECESSIVE; TYK2 DEFICIENCY. Identifiers: Orphanet 331226, MedGen C1969086, MONDO:0012682, OMIM 611521.

gnomAD v4.1: 1 of 1,613,892 alleles (0.000062%); highest among the groups gnomAD compares: Admixed American, 0.0017%; no homozygotes.

Submissions (2):

Labcorp Genetics (formerly Invitae), Labcorp
Classification: Uncertain significance for Immunodeficiency 35. Last evaluated: 2024-02-22. Review status: criteria provided, single submitter. Criteria: Invitae Variant Classification Sherloc (09022015). Collection method: clinical testing. Allele origin: germline.
Comment: This sequence change replaces arginine, which is basic and polar, with leucine, which is neutral and non-polar, at codon 633 of the TYK2 protein (p.Arg633Leu). This variant is not present in population databases (gnomAD no frequency). This variant has not been reported in the literature in individuals affected with TYK2-related conditions. Advanced modeling of protein sequence and biophysical properties (such as structural, functional, and spatial information, amino acid conservation, physicochemical variation, residue mobility, and thermodynamic stability) performed at Invitae indicates that this missense variant is not expected to disrupt TYK2 protein function with a negative predictive value of 80%. In summary, the available evidence is currently insufficient to determine the role of this variant in disease. Therefore, it has been classified as a Variant of Uncertain Significance.

Blueprint Genetics
Classification: Uncertain significance. Last evaluated: 2020-03-27. Review status: criteria provided, single submitter. Criteria: ACMG Guidelines, 2015. Collection method: clinical testing. Allele origin: germline.